The following is an entry in ClinVar:

ClinVar aggregate classification (germline): Uncertain significance (1 of 4 stars; one submission).

Conditions:
MEGF8-related Carpenter syndrome. Also called: Carpenter syndrome 2. Identifiers: Orphanet 65759, MedGen C3554247, MONDO:0013998, OMIM 614976.

gnomAD v4.1: 15 of 1,611,472 alleles (0.00093%); highest among the groups gnomAD compares: East Asian, 0.0022%; no homozygotes.

Submission:

Labcorp Genetics (formerly Invitae), Labcorp
Classification: Uncertain significance for MEGF8-related Carpenter syndrome. Last evaluated: 2024-10-14. Review status: criteria provided, single submitter. Criteria: Invitae Variant Classification Sherloc (09022015). Collection method: clinical testing. Allele origin: germline.
Comment: This sequence change replaces valine, which is neutral and non-polar, with methionine, which is neutral and non-polar, at codon 2161 of the MEGF8 protein (p.Val2161Met). This variant is present in population databases (rs757071241, gnomAD 0.007%). This variant has not been reported in the literature in individuals affected with MEGF8-related conditions. An algorithm developed to predict the effect of missense changes on protein structure and function (PolyPhen-2) suggests that this variant is likely to be disruptive. In summary, the available evidence is currently insufficient to determine the role of this variant in disease. Therefore, it has been classified as a Variant of Uncertain Significance.

NM_001271938.2(MEGF8):c.6682G>A (p.Val2228Met)

Gene: MEGF8 (multiple EGF like domains 8; plus strand). Cytogenetic location: 19q13.2.
Variant type: single nucleotide variant.
Coding change: c.6682G>A on transcript NM_001271938.2 (MANE Select); coding-DNA position 6682, G replaced by A.
Protein change: p.Val2228Met; replaces valine 2228 with methionine.
Molecular consequence: missense variant.
Genome position (GRCh38, 1-based): chr19:42,369,571, G>A. VCF-style: chr19-42369571-G-A. GRCh37 (hg19) VCF-style: chr19-42873723-G-A.
Other names: c.6481G>A, p.Val2161Met (NM_001410.3); short protein forms V2228M, V2161M.
Identifiers: ClinVar variation 3706086 (VCV003706086.2).
Genomic context (GRCh38, chr19:42,369,571, plus strand): 5'-CCCCCACTTTGCCCCTGCAGCATGACAGGGCTGTGCCGCCCTGTGTGCGCCCAGGGCTGC[G>A]TGAACGGCTCATGTGTGGAGCCCGACCACTGCCGCTGCCACTTTGGCTTTGTGGGCCGCA-3'
Protein context (NP_001258867.1, residues 2218-2238): LCRPVCAQGC[Val2228Met]NGSCVEPDHC